The following is an entry in ClinVar:

NM_052947.4(ALPK2):c.3820G>C (p.Ala1274Pro)

Genes: ALPK2 (alpha kinase 2; minus strand), LOC126862764 (BRD4-independent group 4 enhancer GRCh37_chr18:56202574-56203773; plus strand). Cytogenetic location: 18q21.31.
Variant type: single nucleotide variant.
Coding change: c.3820G>C on transcript NM_052947.4 (MANE Select); coding-DNA position 3820, G replaced by C.
Protein change: p.Ala1274Pro; replaces alanine 1274 with proline.
Molecular consequence: missense variant.
Genome position (GRCh38, 1-based): chr18:58,536,367, C>G on the plus strand (G>C on the coding strand, the complement: ALPK2 is on the minus strand). VCF-style: chr18-58536367-C-G. GRCh37 (hg19) VCF-style: chr18-56203599-C-G.
Other names: short protein forms A1274P.
Identifiers: ClinVar variation 1735268 (VCV001735268.2), dbSNP rs2518875880, ClinGen allele CA402565478.
Genomic context (GRCh38, chr18:58,536,367, plus strand): 5'-CTATTTCAGAGGGGGCCAATTCAGGCACAACAGCATCTGCCTTTAGACTATCAGGTACAG[C>G]CCAGACCTTGTCAGGAATTATGAGACCACCGTCTGATGCCTTGCTCTCAGAATTTGTCAG-3'
Protein context (NP_443179.3, residues 1264-1284): GGLIIPDKVW[Ala1274Pro]VPDSLKADAV

ClinVar aggregate classification (germline): Uncertain significance (1 of 4 stars; one submission).

Submission:

Ambry Genetics
Classification: Uncertain significance. Last evaluated: 2022-04-07. Review status: criteria provided, single submitter. Criteria: Ambry Variant Classification Scheme 2023. Collection method: clinical testing. Allele origin: germline.
Comment: The p.A1274P variant (also known as c.3820G>C), located in coding exon 4 of the ALPK2 gene, results from a G to C substitution at nucleotide position 3820. The alanine at codon 1274 is replaced by proline, an amino acid with highly similar properties. This amino acid position is conserved. In addition, this alteration is predicted to be tolerated by in silico analysis. Since supporting evidence is limited at this time, the clinical significance of this alteration remains unclear.